The following is an entry in ClinVar:

NM_000170.3(GLDC):c.1222G>T (p.Ala408Ser)

Gene: GLDC (glycine decarboxylase; minus strand). Cytogenetic location: 9p24.1.
Variant type: single nucleotide variant.
Coding change: c.1222G>T on transcript NM_000170.3 (MANE Select); coding-DNA position 1222, G replaced by T.
Protein change: p.Ala408Ser; replaces alanine 408 with serine.
Molecular consequence: missense variant.
Genome position (GRCh38, 1-based): chr9:6,595,053, C>A on the plus strand (G>T on the coding strand, the complement: GLDC is on the minus strand). VCF-style: chr9-6595053-C-A. GRCh37 (hg19) VCF-style: chr9-6595053-C-A.
Other names: short protein forms A408S.
Identifiers: ClinVar variation 1480911 (VCV001480911.8), dbSNP rs1387492186, ClinGen allele CA372894275.

ClinVar aggregate classification (germline): Uncertain significance (1 of 4 stars; one submission).

Conditions:
Glycine encephalopathy. Also called: Non-ketotic hyperglycinemia; Nonketotic hyperglycinemia. Identifiers: Orphanet 407, MedGen C0751748, MONDO:0011612, HP:0008288.

Submission:

Labcorp Genetics (formerly Invitae), Labcorp
Classification: Uncertain significance for Glycine encephalopathy. Last evaluated: 2022-02-04. Review status: criteria provided, single submitter. Criteria: Invitae Variant Classification Sherloc (09022015). Collection method: clinical testing. Allele origin: germline.
Comment: Advanced modeling of protein sequence and biophysical properties (such as structural, functional, and spatial information, amino acid conservation, physicochemical variation, residue mobility, and thermodynamic stability) performed at Invitae indicates that this missense variant is expected to disrupt GLDC protein function. In summary, the available evidence is currently insufficient to determine the role of this variant in disease. Therefore, it has been classified as a Variant of Uncertain Significance. This variant has not been reported in the literature in individuals affected with GLDC-related conditions. This variant is not present in population databases (gnomAD no frequency). This sequence change replaces alanine, which is neutral and non-polar, with serine, which is neutral and polar, at codon 408 of the GLDC protein (p.Ala408Ser).